The following is an entry in ClinVar:

ClinVar aggregate classification (germline): Uncertain significance (1 of 4 stars; one submission).

Allele frequency attached by ClinVar (database versions not stated): gnomAD exomes below 0.00001.
gnomAD v4.1: 1 of 1,613,972 alleles (0.000062%); highest among the groups gnomAD compares: Non-Finnish European, 0.000085%; no homozygotes.

Submission:

Ambry Genetics
Classification: Uncertain significance. Last evaluated: 2022-10-28. Review status: criteria provided, single submitter. Criteria: Ambry Variant Classification Scheme 2023. Collection method: clinical testing. Allele origin: germline.
Comment: The p.D404N variant (also known as c.1210G>A), located in coding exon 10 of the BUB1 gene, results from a G to A substitution at nucleotide position 1210. The aspartic acid at codon 404 is replaced by asparagine, an amino acid with highly similar properties. This amino acid position is conserved. In addition, this alteration is predicted to be tolerated by in silico analysis. Since supporting evidence is limited at this time, the clinical significance of this alteration remains unclear.

NM_004336.5(BUB1):c.1210G>A (p.Asp404Asn)

Gene: BUB1 (BUB1 mitotic checkpoint serine/threonine kinase; minus strand). Cytogenetic location: 2q13.
Variant type: single nucleotide variant.
Coding change: c.1210G>A on transcript NM_004336.5 (MANE Select); coding-DNA position 1210, G replaced by A.
Protein change: p.Asp404Asn; replaces aspartic acid 404 with asparagine.
Molecular consequence: missense variant.
Genome position (GRCh38, 1-based): chr2:110,661,589, C>T on the plus strand (G>A on the coding strand, the complement: BUB1 is on the minus strand). VCF-style: chr2-110661589-C-T. GRCh37 (hg19) VCF-style: chr2-111419166-C-T.
Other names: c.1150G>A, p.Asp384Asn (NM_001278616.2); c.1210G>A, p.Asp404Asn (NM_001278617.2); short protein forms D384N, D404N.
Identifiers: ClinVar variation 1750352 (VCV001750352.2), dbSNP rs1294905386, ClinGen allele CA348214186.